The following is an entry in ClinVar:

NM_020738.4(KIDINS220):c.4317T>C (p.Ser1439=)

Gene: KIDINS220 (kinase D interacting substrate 220; minus strand). Cytogenetic location: 2p25.1.
Variant type: single nucleotide variant.
Coding change: c.4317T>C on transcript NM_020738.4 (MANE Select); coding-DNA position 4317, T replaced by C.
Protein change: p.Ser1439=; no amino-acid change (serine 1439 retained).
Molecular consequence: synonymous variant. On other transcripts: intron variant (6).
Genome position (GRCh38, 1-based): chr2:8,731,719, A>G on the plus strand (T>C on the coding strand, the complement: KIDINS220 is on the minus strand). VCF-style: chr2-8731719-A-G. GRCh37 (hg19) VCF-style: chr2-8871849-A-G.
Other names: c.4320T>C, p.Ser1440= (NM_001348729.2); c.4263T>C, p.Ser1421= (NM_001348731.2); c.4260T>C, p.Ser1420= (NM_001348732.2); c.4149T>C, p.Ser1383= (NM_001348734.2); c.4146T>C, p.Ser1382= (NM_001348735.2); c.4020T>C, p.Ser1340= (NM_001348736.2); c.3882+1725T>C (NM_001348741.2, NM_001348742.2, NM_001348743.2); c.3996+1725T>C (NM_001348738.2); and 1 more.
Identifiers: ClinVar variation 723000 (VCV000723000.11), dbSNP rs772542835, ClinGen allele CA1519385.

ClinVar aggregate classification (germline): Likely benign. Review status: criteria provided, multiple submitters, no conflicts (2 of 4 stars). 3 submissions from 3 submitters: Likely benign (2). 1 of the submissions does not count toward it. Last evaluated 2026-09-01.

Conditions:
KIDINS220-related disorder. Also called: KIDINS220-related condition.

Allele frequency attached by ClinVar (database versions not stated): gnomAD 0.00002; gnomAD exomes 0.00011 and 0.00024; TOPMed 0.00011; ExAC 0.00021.
gnomAD v4.1: 67 of 1,614,026 alleles (0.0042%); highest among the groups gnomAD compares: Admixed American, 0.11%; 1 homozygote.

Submissions (3):

CeGaT Center for Human Genetics Tuebingen
Classification: Likely benign. Last evaluated: 2026-09-01. Review status: criteria provided, single submitter. Criteria: CeGaT Center For Human Genetics Tuebingen Variant Classification Criteria Version 2. Collection method: clinical testing. Allele origin: germline. Affected: yes. Observed: 2 variant alleles.
Comment: KIDINS220: BP4, BP7

Labcorp Genetics (formerly Invitae), Labcorp
Classification: Likely benign. Last evaluated: 2025-11-29. Review status: criteria provided, single submitter. Criteria: Invitae Variant Classification Sherloc (09022015). Collection method: clinical testing. Allele origin: germline.

PreventionGenetics, part of Exact Sciences
Classification: Likely benign for KIDINS220-related condition. Last evaluated: 2021-11-04. Review status: no assertion criteria provided. Collection method: clinical testing. Allele origin: germline. Not counted in ClinVar's aggregate classification.
Comment: This variant is classified as likely benign based on ACMG/AMP sequence variant interpretation guidelines (Richards et al. 2015 PMID: 25741868, with internal and published modifications).